The following is an entry in ClinVar:

NM_002230.4(JUP):c.1895A>G (p.Glu632Gly)

Gene: JUP (junction plakoglobin; minus strand). Cytogenetic location: 17q21.2.
Variant type: single nucleotide variant.
Coding change: c.1895A>G on transcript NM_002230.4 (MANE Select); coding-DNA position 1895, A replaced by G.
Protein change: p.Glu632Gly; replaces glutamic acid 632 with glycine.
Molecular consequence: missense variant.
Genome position (GRCh38, 1-based): chr17:41,757,663, T>C on the plus strand (A>G on the coding strand, the complement: JUP is on the minus strand). VCF-style: chr17-41757663-T-C. GRCh37 (hg19) VCF-style: chr17-39913915-T-C.
Other names: c.1895A>G, p.Glu632Gly (NM_001352773.2, NM_001352774.2, NM_001352775.2 and 3 more transcripts); short protein forms E632G.
Identifiers: ClinVar variation 2932083 (VCV002932083.3), dbSNP rs2544036462, ClinGen allele CA399492192.

ClinVar aggregate classification (germline): Uncertain significance (1 of 4 stars; one submission).

Conditions:
Naxos disease (NXD). Also called: KERATOSIS PALMOPLANTARIS WITH ARRHYTHMOGENIC CARDIOMYOPATHY; MAL DE NAXOS; PALMOPLANTAR KERATODERMA WITH ARRHYTHMOGENIC RIGHT VENTRICULAR CARDIOMYOPATHY AND WOOLLY HAIR; WOOLLY HAIR, PALMOPLANTAR KERATODERMA, AND CARDIAC ABNORMALITIES; CARDIOMYOPATHY, ARRHYTHMOGENIC RIGHT VENTRICULAR, WITH SKIN, HAIR, AND NAIL ABNORMALITIES. Identifiers: Orphanet 34217, MedGen C1832600, MONDO:0011017, OMIM 601214.
Arrhythmogenic right ventricular dysplasia 12. Also called: ARRHYTHMOGENIC RIGHT VENTRICULAR DYSPLASIA, FAMILIAL, 12. Identifiers: MedGen C1969081, MONDO:0012684, OMIM 611528.

Submission:

Labcorp Genetics (formerly Invitae), Labcorp
Classification: Uncertain significance for Arrhythmogenic right ventricular dysplasia 12; Naxos disease. Last evaluated: 2023-11-13. Review status: criteria provided, single submitter. Criteria: Invitae Variant Classification Sherloc (09022015). Collection method: clinical testing. Allele origin: germline.
Comment: This sequence change replaces glutamic acid, which is acidic and polar, with glycine, which is neutral and non-polar, at codon 632 of the JUP protein (p.Glu632Gly). This variant is not present in population databases (gnomAD no frequency). This variant has not been reported in the literature in individuals affected with JUP-related conditions. An algorithm developed to predict the effect of missense changes on protein structure and function (PolyPhen-2) suggests that this variant is likely to be tolerated. In summary, the available evidence is currently insufficient to determine the role of this variant in disease. Therefore, it has been classified as a Variant of Uncertain Significance.